The following is an entry in ClinVar:

NM_030773.4(TUBB1):c.152A>T (p.Tyr51Phe)

Gene: TUBB1 (tubulin beta 1 class VI; plus strand). Cytogenetic location: 20q13.32.
Variant type: single nucleotide variant.
Coding change: c.152A>T on transcript NM_030773.4 (MANE Select); coding-DNA position 152, A replaced by T.
Protein change: p.Tyr51Phe; replaces tyrosine 51 with phenylalanine.
Molecular consequence: missense variant.
Genome position (GRCh38, 1-based): chr20:59,022,939, A>T. VCF-style: chr20-59022939-A-T. GRCh37 (hg19) VCF-style: chr20-57597994-A-T.
Other names: short protein forms Y51F.
Identifiers: ClinVar variation 2141356 (VCV002141356.4), dbSNP rs750352567, ClinGen allele CA9928380.

ClinVar aggregate classification (germline): Uncertain significance (1 of 4 stars; one submission).

Allele frequency attached by ClinVar (database versions not stated): ExAC 0.00001; gnomAD 0.00007.
gnomAD v4.1: 18 of 1,613,746 alleles (0.0011%); highest among the groups gnomAD compares: African/African-American, 0.02%; no homozygotes.

Submission:

Labcorp Genetics (formerly Invitae), Labcorp
Classification: Uncertain significance. Last evaluated: 2022-06-22. Review status: criteria provided, single submitter. Criteria: Invitae Variant Classification Sherloc (09022015). Collection method: clinical testing. Allele origin: germline.
Comment: This sequence change replaces tyrosine, which is neutral and polar, with phenylalanine, which is neutral and non-polar, at codon 51 of the TUBB1 protein (p.Tyr51Phe). In summary, the available evidence is currently insufficient to determine the role of this variant in disease. Therefore, it has been classified as a Variant of Uncertain Significance. Algorithms developed to predict the effect of missense changes on protein structure and function are either unavailable or do not agree on the potential impact of this missense change (SIFT: "Not Available"; PolyPhen-2: "Benign"; Align-GVGD: "Not Available"). This variant has not been reported in the literature in individuals affected with TUBB1-related conditions. This variant is present in population databases (rs750352567, gnomAD 0.008%).